The following is an entry in ClinVar:

NM_001365951.3(KIF1B):c.403A>G (p.Asn135Asp)

Genes: KIF1B (kinesin family member 1B; plus strand), LOC129388447 (MPRA-validated peak65 silencer; plus strand). Cytogenetic location: 1p36.22.
Variant type: single nucleotide variant.
Coding change: c.403A>G on transcript NM_001365951.3 (MANE Select); coding-DNA position 403, A replaced by G.
Protein change: p.Asn135Asp; replaces asparagine 135 with aspartic acid.
Molecular consequence: missense variant.
Genome position (GRCh38, 1-based): chr1:10,261,944, A>G. VCF-style: chr1-10261944-A-G. GRCh37 (hg19) VCF-style: chr1-10322002-A-G.
Other names: c.403A>G, p.Asn135Asp (NM_001365952.1, NM_001365953.1, NM_015074.3 and 1 more transcripts); short protein forms N135D.
Identifiers: ClinVar variation 4858884 (VCV004858884.1).

ClinVar aggregate classification (germline): Uncertain significance (1 of 4 stars; one submission).

Submission:

Ambry Genetics
Classification: Uncertain significance. Last evaluated: 2026-06-08. Review status: criteria provided, single submitter. Criteria: Ambry Variant Classification Scheme 2023. Collection method: clinical testing. Allele origin: germline.
Comment: The p.N135D variant (also known as c.403A>G), located in coding exon 4 of the KIF1B gene, results from an A to G substitution at nucleotide position 403. The asparagine at codon 135 is replaced by aspartic acid, an amino acid with highly similar properties. This amino acid position is conserved. In addition, this alteration is predicted to be tolerated by in silico analysis. Based on the available evidence, the clinical significance of this variant remains unclear.